The following is an entry in ClinVar:

ClinVar aggregate classification (germline): Uncertain significance (1 of 4 stars; one submission).

Submission:

Labcorp Genetics (formerly Invitae), Labcorp
Classification: Uncertain significance. Last evaluated: 2020-12-28. Review status: criteria provided, single submitter. Criteria: Invitae Variant Classification Sherloc (09022015). Collection method: clinical testing. Allele origin: germline.
Comment: This sequence change falls in intron 2 of the ERCC3 gene. It does not directly change the encoded amino acid sequence of the ERCC3 protein. It affects a nucleotide within the consensus splice site of the intron. This variant is not present in population databases (ExAC no frequency). This variant has not been reported in the literature in individuals with ERCC3-related conditions. Nucleotide substitutions within the consensus splice site are a relatively common cause of aberrant splicing (PMID: 17576681, 9536098). Algorithms developed to predict the effect of sequence changes on RNA splicing suggest that this variant may disrupt the consensus splice site, but this prediction has not been confirmed by published transcriptional studies. In summary, the available evidence is currently insufficient to determine the role of this variant in disease. Therefore, it has been classified as a Variant of Uncertain Significance.

Literature cited by the submitters: PubMed 17576681; PubMed 9536098.

NM_000122.2(ERCC3):c.234+4del

Gene: ERCC3 (ERCC excision repair 3, TFIIH core complex helicase subunit; minus strand). Cytogenetic location: 2q14.3.
Variant type: Deletion.
Coding change: c.234+4del on transcript NM_000122.2 (MANE Select); 4 bases into the intron after coding-DNA position 234, one base deleted (A; older notation c.234+4delA).
Molecular consequence: intron variant.
Genome position (GRCh38, 1-based): chr2:127,293,509, T deleted on the plus strand (A on the coding strand, the reverse complement: ERCC3 is on the minus strand); the first of 2 consecutive T bases (chr2:127,293,509-127,293,510); deleting either gives the same sequence. VCF-style (leftmost placement, unchanged base first): chr2-127293508-CT-C. GRCh37 (hg19) VCF-style: chr2-128051084-CT-C.
Other names: c.42+4del (NM_001303416.2, NM_001303418.2).
Identifiers: ClinVar variation 1463193 (VCV001463193.1), dbSNP rs1258971389, ClinGen allele CA756624636.
Genomic context (GRCh38, chr2:127,293,508, plus strand): 5'-ATGCCCAAGATTTAGCTGCCGCTCCGCACACTCCTGGGCCCTGCCCAAGCTAAGGGCATG[CT>C]TACCACCCAGAGGGGCCTGGAGGTGTGGTCGTCCTTCAGCGGCATTTGCAGCCTGTAGTC-3'